The following is an entry in ClinVar:

NM_001256012.3(MYH10):c.220G>A (p.Asp74Asn)

Gene: MYH10 (myosin heavy chain 10; minus strand). Cytogenetic location: 17p13.1.
Variant type: single nucleotide variant.
Coding change: c.220G>A on transcript NM_001256012.3 (MANE Select); coding-DNA position 220, G replaced by A.
Protein change: p.Asp74Asn; replaces aspartic acid 74 with asparagine.
Molecular consequence: missense variant.
Genome position (GRCh38, 1-based): chr17:8,623,027, C>T on the plus strand (G>A on the coding strand, the complement: MYH10 is on the minus strand). VCF-style: chr17-8623027-C-T. GRCh37 (hg19) VCF-style: chr17-8526345-C-T.
Other names: NM_005964.5:c.220G>A; c.220G>A, p.Asp74Asn (NM_001256095.2, NM_001375266.1, NM_005964.5); short protein forms D74N.
Identifiers: ClinVar variation 3024410 (VCV003024410.1), dbSNP rs1399368512, ClinGen allele CA398231338.

ClinVar aggregate classification (germline): Uncertain significance (1 of 4 stars; one submission).

Conditions:
Jaw-winking syndrome. Also called: Marcus Gunn jaw winking synkinesis; JAW-WINKING; MAXILLOPALPEBRAL SYNKINESIS. Identifiers: Orphanet 91412, MedGen C0266521, MONDO:0007946, OMIM 154600, HP:0025186.

Allele frequency attached by ClinVar (database versions not stated): gnomAD 0.00001.
gnomAD v4.1: 10 of 1,614,094 alleles (0.00062%); highest among the groups gnomAD compares: Non-Finnish European, 0.00076%; no homozygotes.

Submission:

Broad Center for Mendelian Genomics, Broad Institute of MIT and Harvard
Classification: Uncertain significance for Jaw-winking syndrome. Last evaluated: 2024-02-26. Review status: criteria provided, single submitter. Criteria: ACMG Guidelines, 2015. Collection method: curation. Allele origin: germline. Inheritance: Autosomal dominant inheritance.
Comment: While this gene is still lacking sufficient evidence to establish a gene-disease association, we believe this is a possible novel gene candidate for Marcus Gunn jaw-winking syndrome. Given the limited information about this gene-disease relationship, the significance of the p.Asp74Asn variant is uncertain. If you have any additional information about functional evidence or other individuals with this phenotype that also have variants in MYH10 we encourage you to reach out to the Engle Lab.